The following is an entry in ClinVar:

NM_001849.4(COL6A2):c.1382dup (p.Asn461fs)

Gene: COL6A2 (collagen type VI alpha 2 chain; plus strand). Cytogenetic location: 21q22.3.
Variant type: Duplication.
Coding change: c.1382dup on transcript NM_001849.4 (MANE Select); coding-DNA position 1382, one base duplicated (A; older notation c.1382dupA).
Protein change: p.Asn461fs; shifts the reading frame from asparagine 461.
Molecular consequence: frameshift variant.
Genome position (GRCh38, 1-based): chr21:46,120,564, A duplicated; the last of 2 consecutive A bases (chr21:46,120,563-46,120,564); duplicating either gives the same sequence. VCF-style (leftmost placement, unchanged base first): chr21-46120562-C-CA. GRCh37 (hg19) VCF-style: chr21-47540476-C-CA.
Other names: c.1382dup, p.Asn461fs (NM_058174.3, NM_058175.3); short protein forms N461fs.
Identifiers: ClinVar variation 2444078 (VCV002444078.2), dbSNP rs2517005048, ClinGen allele CA2580098924.

ClinVar aggregate classification (germline): Pathogenic (1 of 4 stars; one submission).

Conditions:
Bethlem myopathy 1B (BTHLM1B). Identifiers: MedGen C5935580, MONDO:0958233, OMIM 620725.

Submission:

3billion
Classification: Pathogenic for Bethlem myopathy 1B. Last evaluated: 2024-10-28. Review status: criteria provided, single submitter. Criteria: ACMG Guidelines, 2015. Collection method: clinical testing. Allele origin: germline. Affected: yes.
Comment: The variant is not observed in the gnomAD v4.1.0 dataset. Predicted Consequence/Location: Frameshift: predicted to result in a loss or disruption of normal protein function through nonsense-mediated decay (NMD) or protein truncation. Multiple pathogenic variants are reported downstream of the variant. The variant has been reported to be associated with COL6A2-related disorder (ClinVar ID: VCV002444078 /3billion dataset). Therefore, this variant is classified as Pathogenic according to the recommendation of ACMG/AMP guideline.